The following is an entry in ClinVar:

NM_000264.5(PTCH1):c.523C>T (p.Leu175Phe)

Gene: PTCH1 (patched 1; minus strand). Cytogenetic location: 9q22.32.
Variant type: single nucleotide variant.
Coding change: c.523C>T on transcript NM_000264.5 (MANE Select); coding-DNA position 523, C replaced by T.
Protein change: p.Leu175Phe; replaces leucine 175 with phenylalanine.
Molecular consequence: missense variant. On other transcripts: non-coding transcript variant (1).
Genome position (GRCh38, 1-based): chr9:95,485,746, G>A on the plus strand (C>T on the coding strand, the complement: PTCH1 is on the minus strand). VCF-style: chr9-95485746-G-A. GRCh37 (hg19) VCF-style: chr9-98248028-G-A.
Other names: c.325C>T, p.Leu109Phe (NM_001083602.3, NM_001354919.2); c.520C>T, p.Leu174Phe (NM_001083603.3); c.70C>T, p.Leu24Phe (NM_001083604.3, NM_001083605.3, NM_001083606.3 and 1 more transcripts); c.523C>T, p.Leu175Phe (NM_001354918.2); short protein forms L109F, L174F, L175F, L24F.
Identifiers: ClinVar variation 3621840 (VCV003621840.2).
Genomic context (GRCh38, chr9:95,485,746, plus strand): 5'-TGTTGTACATGTATACATGGACACGGCTGGCCTGGAGTGCCGAGTCCAGGTGTTGTAGGA[G>A]CGCTTCTGTGGTCAGGACATTAGCACCTTCTTCTTTAGGGGTCTGTATCATGAGTTGAGG-3'
Protein context (NP_000255.2, residues 165-185): EGANVLTTEA[Leu175Phe]LQHLDSALQA

ClinVar aggregate classification (germline): Uncertain significance (1 of 4 stars; one submission).

Conditions:
Gorlin syndrome. Also called: Basal cell nevus syndrome; Nevoid Basal Cell Carcinoma Syndrome. Identifiers: Orphanet 377, MedGen C0004779, MONDO:0007187.

gnomAD v4.1: 1 of 1,614,210 alleles (0.000062%); no homozygotes.

Submission:

Labcorp Genetics (formerly Invitae), Labcorp
Classification: Uncertain significance for Gorlin syndrome. Last evaluated: 2024-12-07. Review status: criteria provided, single submitter. Criteria: Invitae Variant Classification Sherloc (09022015). Collection method: clinical testing. Allele origin: germline.
Comment: This sequence change replaces leucine, which is neutral and non-polar, with phenylalanine, which is neutral and non-polar, at codon 175 of the PTCH1 protein (p.Leu175Phe). This variant is not present in population databases (gnomAD no frequency). This variant has not been reported in the literature in individuals affected with PTCH1-related conditions. Invitae Evidence Modeling of protein sequence and biophysical properties (such as structural, functional, and spatial information, amino acid conservation, physicochemical variation, residue mobility, and thermodynamic stability) indicates that this missense variant is not expected to disrupt PTCH1 protein function with a negative predictive value of 95%. In summary, the available evidence is currently insufficient to determine the role of this variant in disease. Therefore, it has been classified as a Variant of Uncertain Significance.